The following is an entry in ClinVar:

NM_001080517.3(SETD5):c.909G>A (p.Gly303=)

Gene: SETD5 (SET domain containing 5; plus strand). Cytogenetic location: 3p25.3.
Variant type: single nucleotide variant.
Coding change: c.909G>A on transcript NM_001080517.3 (MANE Select); coding-DNA position 909, G replaced by A.
Protein change: p.Gly303=; no amino-acid change (glycine 303 retained).
Molecular consequence: synonymous variant.
Genome position (GRCh38, 1-based): chr3:9,441,691, G>A. VCF-style: chr3-9441691-G-A. GRCh37 (hg19) VCF-style: chr3-9483375-G-A.
Other names: c.615G>A, p.Gly205= (NM_001292043.2, NM_001349451.2).
Identifiers: ClinVar variation 1659862 (VCV001659862.31), dbSNP rs757146140, ClinGen allele CA2239037.
Genomic context (GRCh38, chr3:9,441,691, plus strand): 5'-GAAGATCCTGAGGGCTGCAAGAGATTTGGCTTTGGACACTCTTATAATAGAGTATCGTGG[G>A]AAAGTCATGTTACGACAGCAATTTGAGGTCAATGGGCATTTCTTCAAAAAGTAAGAACGT-3'
Protein context (NP_001073986.1, residues 293-313): ALDTLIIEYR[Gly303=]KVMLRQQFEV

ClinVar aggregate classification (germline): Likely benign. Review status: criteria provided, multiple submitters, no conflicts (2 of 4 stars). 3 submissions from 3 submitters: Likely benign (3). Last evaluated 2025-08-02.

Allele frequency attached by ClinVar (database versions not stated): gnomAD exomes 0.00002 and 0.00004; ExAC 0.00003; gnomAD 0.00003 and 0.00004; TOPMed 0.00003.
gnomAD v4.1: 41 of 1,613,892 alleles (0.0025%); highest among the groups gnomAD compares: Admixed American, 0.0033%; no homozygotes.

Submissions (3):

Labcorp Genetics (formerly Invitae), Labcorp
Classification: Likely benign. Last evaluated: 2025-08-02. Review status: criteria provided, single submitter. Criteria: Invitae Variant Classification Sherloc (09022015). Collection method: clinical testing. Allele origin: germline.

CeGaT Center for Human Genetics Tuebingen
Classification: Likely benign. Last evaluated: 2025-04-01. Review status: criteria provided, single submitter. Criteria: CeGaT Center For Human Genetics Tuebingen Variant Classification Criteria Version 2. Collection method: clinical testing. Allele origin: germline. Affected: yes. Observed: 2 variant alleles.
Comment: SETD5: BP4, BP7

Blueprint Genetics
Classification: Likely benign. Last evaluated: 2024-10-17. Review status: criteria provided, single submitter. Criteria: ACMG Guidelines, 2015. Collection method: clinical testing. Allele origin: germline.